The following is an entry in ClinVar:

ClinVar aggregate classification (germline): Uncertain significance (1 of 4 stars; one submission).

Submission:

Ambry Genetics
Classification: Uncertain significance. Last evaluated: 2026-08-20. Review status: criteria provided, single submitter. Criteria: Ambry Variant Classification Scheme 2023. Collection method: clinical testing. Allele origin: germline.
Comment: The p.P93H variant (also known as c.278C>A), located in coding exon 1 of the PALLD gene, results from a C to A substitution at nucleotide position 278. The proline at codon 93 is replaced by histidine, an amino acid with similar properties. This amino acid position is conserved. In addition, the in silico prediction for this alteration is inconclusive. Based on the available evidence, the clinical significance of this variant remains unclear.

NM_001166108.2(PALLD):c.1965-12753C>A

Gene: PALLD (palladin, cytoskeletal associated protein; plus strand). Cytogenetic location: 4q32.3.
Variant type: single nucleotide variant.
Coding change: c.1965-12753C>A on transcript NM_001166108.2 (MANE Select); 12753 bases into the intron before coding-DNA position 1965, C replaced by A.
Molecular consequence: intron variant. On other transcripts: missense variant (1).
Genome position (GRCh38, 1-based): chr4:168,878,169, C>A. VCF-style: chr4-168878169-C-A. GRCh37 (hg19) VCF-style: chr4-169799320-C-A.
Other names: c.-157-12753C>A (NM_001367568.1, NM_001367567.1, NM_001367569.1 and 1 more transcripts); c.278C>A, p.Pro93His (NM_001166110.2); c.1965-12753C>A (NM_016081.4); c.819-12753C>A (NM_001166109.2); short protein forms P93H.
Identifiers: ClinVar variation 5026247 (VCV005026247.1).
Genomic context (GRCh38, chr4:168,878,169, plus strand): 5'-TCGGCGCTGAGCCCGAGGCCCCGTGGGGCTCCTCCTCGCCGTCGCCCCCGCCCCCGCCAC[C>A]CCCGGTCTTCAGCCCCACGGCTGCCTTCCCGGTGCCCGACGTGTTCCCACTGCCGCCGCC-3'